The following is an entry in ClinVar:

NM_007255.3(B4GALT7):c.22G>A (p.Ala8Thr)

Genes: B4GALT7 (beta-1,4-galactosyltransferase 7; plus strand), LOC129995400 (ATAC-STARR-seq lymphoblastoid silent region 16704; plus strand). Cytogenetic location: 5q35.3.
Variant type: single nucleotide variant.
Coding change: c.22G>A on transcript NM_007255.3 (MANE Select); coding-DNA position 22, G replaced by A.
Protein change: p.Ala8Thr; replaces alanine 8 with threonine.
Molecular consequence: missense variant.
Genome position (GRCh38, 1-based): chr5:177,600,232, G>A. VCF-style: chr5-177600232-G-A. GRCh37 (hg19) VCF-style: chr5-177027233-G-A.
Other names: short protein forms A8T.
Identifiers: ClinVar variation 4688804 (VCV004688804.1).

ClinVar aggregate classification (germline): Uncertain significance (1 of 4 stars; one submission).

Submission:

Women's Health and Genetics/Laboratory Corporation of America, LabCorp
Classification: Uncertain significance. Last evaluated: 2025-12-26. Review status: criteria provided, single submitter. Criteria: LabCorp Variant Classification Summary - May 2015. Collection method: clinical testing. Allele origin: germline.
Comment: Variant summary: B4GALT7 c.22G>A (p.Ala8Thr) results in a non-conservative amino acid change in the encoded protein sequence. Algorithms developed to predict the effect of missense changes on protein structure and function are either unavailable or do not agree on the potential impact of this missense change. The frequency data for this variant in gnomAD is considered unreliable, as metrics indicate poor data quality at this position. To our knowledge, no occurrence of c.22G>A in individuals affected with B4GALT7-related conditions and no experimental evidence demonstrating its impact on protein function have been reported. No submitters have cited clinical-significance assessments for this variant to ClinVar. Based on the evidence outlined above, the variant was classified as uncertain significance.